The following is an entry in ClinVar:

NM_000760.4(CSF3R):c.1751G>A (p.Gly584Asp)

Gene: CSF3R (colony stimulating factor 3 receptor; minus strand). Cytogenetic location: 1p34.3.
Variant type: single nucleotide variant.
Coding change: c.1751G>A on transcript NM_000760.4 (MANE Select); coding-DNA position 1751, G replaced by A.
Protein change: p.Gly584Asp; replaces glycine 584 with aspartic acid.
Molecular consequence: missense variant.
Genome position (GRCh38, 1-based): chr1:36,467,935, C>T on the plus strand (G>A on the coding strand, the complement: CSF3R is on the minus strand). VCF-style: chr1-36467935-C-T. GRCh37 (hg19) VCF-style: chr1-36933536-C-T.
Other names: c.1751G>A, p.Gly584Asp (NM_156039.3, NM_172313.3); short protein forms G584D.
Identifiers: ClinVar variation 3005932 (VCV003005932.3), dbSNP rs1650441021, ClinGen allele CA339417952.

ClinVar aggregate classification (germline): Uncertain significance (1 of 4 stars; one submission).

Conditions:
Autosomal recessive severe congenital neutropenia due to CSF3R deficiency. Also called: Neutropenia, severe congenital, 7, autosomal recessive. Identifiers: Orphanet 420702, MedGen C4310764, MONDO:0014865, OMIM 617014.

Allele frequency attached by ClinVar (database versions not stated): TOPMed below 0.00001.

Submission:

Labcorp Genetics (formerly Invitae), Labcorp
Classification: Uncertain significance for Autosomal recessive severe congenital neutropenia due to CSF3R deficiency. Last evaluated: 2024-05-06. Review status: criteria provided, single submitter. Criteria: Invitae Variant Classification Sherloc (09022015). Collection method: clinical testing. Allele origin: germline.
Comment: This sequence change replaces glycine, which is neutral and non-polar, with aspartic acid, which is acidic and polar, at codon 584 of the CSF3R protein (p.Gly584Asp). This variant is not present in population databases (gnomAD no frequency). This variant has not been reported in the literature in individuals affected with CSF3R-related conditions. Advanced modeling of protein sequence and biophysical properties (such as structural, functional, and spatial information, amino acid conservation, physicochemical variation, residue mobility, and thermodynamic stability) performed at Invitae indicates that this missense variant is not expected to disrupt CSF3R protein function with a negative predictive value of 80%. In summary, the available evidence is currently insufficient to determine the role of this variant in disease. Therefore, it has been classified as a Variant of Uncertain Significance.